The following is an entry in ClinVar:

NM_002890.3(RASA1):c.231_232del (p.Ala78fs)

Gene: RASA1 (RAS p21 protein activator 1; plus strand). Cytogenetic location: 5q14.3.
Variant type: Deletion.
Coding change: c.231_232del on transcript NM_002890.3 (MANE Select); coding-DNA positions 231 to 232, 2 bases deleted (GG; older notation c.231_232delGG).
Protein change: p.Ala78fs; shifts the reading frame from alanine 78.
Molecular consequence: frameshift variant.
Genome position (GRCh38, 1-based): chr5:87,268,682-87,268,683, GG deleted. VCF-style (leftmost placement, unchanged base first): chr5-87268681-TGG-T. GRCh37 (hg19) VCF-style: chr5-86564498-TGG-T.
Other names: short protein forms A78fs.
Identifiers: ClinVar variation 3659038 (VCV003659038.2).

ClinVar aggregate classification (germline): Pathogenic (1 of 4 stars; one submission).

Conditions:
Capillary malformation-arteriovenous malformation syndrome. Also called: Capillary malformation-arteriovenous malformation. Identifiers: Orphanet 137667, MedGen C1842180, MONDO:0012016.

Submission:

Labcorp Genetics (formerly Invitae), Labcorp
Classification: Pathogenic for Capillary malformation-arteriovenous malformation syndrome. Last evaluated: 2024-08-07. Review status: criteria provided, single submitter. Criteria: Invitae Variant Classification Sherloc (09022015). Collection method: clinical testing. Allele origin: germline.
Comment: This sequence change creates a premature translational stop signal (p.Ala78Argfs*33) in the RASA1 gene. It is expected to result in an absent or disrupted protein product. Loss-of-function variants in RASA1 are known to be pathogenic (PMID: 24038909). This variant is not present in population databases (gnomAD no frequency). This variant has not been reported in the literature in individuals affected with RASA1-related conditions. For these reasons, this variant has been classified as Pathogenic.

Literature cited by the submitters: PubMed 24038909.